The following is an entry in ClinVar:

NM_173543.3(DZIP1L):c.437G>A (p.Arg146His)

Gene: DZIP1L (DAZ interacting zinc finger protein 1 like; minus strand). Cytogenetic location: 3q22.3.
Variant type: single nucleotide variant.
Coding change: c.437G>A on transcript NM_173543.3 (MANE Select); coding-DNA position 437, G replaced by A.
Protein change: p.Arg146His; replaces arginine 146 with histidine.
Molecular consequence: missense variant.
Genome position (GRCh38, 1-based): chr3:138,103,535, C>T on the plus strand (G>A on the coding strand, the complement: DZIP1L is on the minus strand). VCF-style: chr3-138103535-C-T. GRCh37 (hg19) VCF-style: chr3-137822377-C-T.
Other names: c.437G>A, p.Arg146His (NM_001170538.1); short protein forms R146H.
Identifiers: ClinVar variation 2077772 (VCV002077772.1), dbSNP rs140445822, ClinGen allele CA2635288.

ClinVar aggregate classification (germline): Uncertain significance (1 of 4 stars; one submission).

Allele frequency attached by ClinVar (database versions not stated): gnomAD exomes 0.00004; ExAC 0.00015; TOPMed 0.00039; gnomAD 0.00040; ESP Exome Variant Server 0.00062.
gnomAD v4.1: 124 of 1,610,902 alleles (0.0077%); highest among the groups gnomAD compares: African/African-American, 0.14%; no homozygotes.

Submission:

Labcorp Genetics (formerly Invitae), Labcorp
Classification: Uncertain significance. Last evaluated: 2022-09-19. Review status: criteria provided, single submitter. Criteria: Invitae Variant Classification Sherloc (09022015). Collection method: clinical testing. Allele origin: germline.
Comment: This sequence change replaces arginine, which is basic and polar, with histidine, which is basic and polar, at codon 146 of the DZIP1L protein (p.Arg146His). This variant is present in population databases (rs140445822, gnomAD 0.2%). This variant has not been reported in the literature in individuals affected with DZIP1L-related conditions. Algorithms developed to predict the effect of missense changes on protein structure and function are either unavailable or do not agree on the potential impact of this missense change (SIFT: "Deleterious"; PolyPhen-2: "Probably Damaging"; Align-GVGD: "Class C0"). In summary, the available evidence is currently insufficient to determine the role of this variant in disease. Therefore, it has been classified as a Variant of Uncertain Significance.